The following is an entry in ClinVar:

NM_182961.4(SYNE1):c.24122A>C (p.Lys8041Thr)

Gene: SYNE1 (spectrin repeat containing nuclear envelope protein 1; minus strand). Cytogenetic location: 6q25.2.
Variant type: single nucleotide variant.
Coding change: c.24122A>C on transcript NM_182961.4 (MANE Select); coding-DNA position 24122, A replaced by C.
Protein change: p.Lys8041Thr; replaces lysine 8041 with threonine.
Molecular consequence: missense variant.
Genome position (GRCh38, 1-based): chr6:152,154,899, T>G on the plus strand (A>C on the coding strand, the complement: SYNE1 is on the minus strand). VCF-style: chr6-152154899-T-G. GRCh37 (hg19) VCF-style: chr6-152476034-T-G.
Other names: c.728A>C, p.Lys243Thr (NM_001347701.2); c.587A>C, p.Lys196Thr (NM_001347702.2); c.23909A>C, p.Lys7970Thr (NM_033071.5); short protein forms K196T, K243T, K7970T, K8041T.
Identifiers: ClinVar variation 1407758 (VCV001407758.8), dbSNP rs2152941858, ClinGen allele CA366087660.
Genomic context (GRCh38, chr6:152,154,899, plus strand): 5'-GCTGGCTACTTTAATAGCAAAATAAGGATTAAAAATTTGGAATTATAGATTACCTCAAAT[T>G]TCTTTAGTTCTTCCTTGGCAACTGTATAGATCACCCCAGAAGAGCTGGGAAAAGCAGCTG-3'
Protein context (NP_892006.3, residues 8031-8051): IYTVAKEELK[Lys8041Thr]FEAFQRQVHE

ClinVar aggregate classification (germline): Uncertain significance (1 of 4 stars; one submission).

Conditions:
Emery-Dreifuss muscular dystrophy 4, autosomal dominant (EDMD4). Also called: EMERY-DREIFUSS MUSCULAR DYSTROPHY 4 WITH VARIABLE FEATURES. Identifiers: Orphanet 261, MedGen C2751807, MONDO:0013071, OMIM 612998.
Autosomal recessive ataxia, Beauce type. Also called: SYNE1-Related Autosomal Recessive Cerebellar Ataxia; Spinocerebellar ataxia, autosomal recessive 8; ATAXIA, RECESSIVE, OF BEAUCE; SYNE1 Deficiency. Identifiers: Orphanet 88644, MedGen C1853116, MONDO:0012549, OMIM 610743.

Submission:

Labcorp Genetics (formerly Invitae), Labcorp
Classification: Uncertain significance for Emery-Dreifuss muscular dystrophy 4, autosomal dominant; Autosomal recessive ataxia, Beauce type. Last evaluated: 2022-08-09. Review status: criteria provided, single submitter. Criteria: Invitae Variant Classification Sherloc (09022015). Collection method: clinical testing. Allele origin: germline.
Comment: In summary, the available evidence is currently insufficient to determine the role of this variant in disease. Therefore, it has been classified as a Variant of Uncertain Significance. Algorithms developed to predict the effect of missense changes on protein structure and function are either unavailable or do not agree on the potential impact of this missense change (SIFT: "Deleterious"; PolyPhen-2: "Benign"; Align-GVGD: "Class C0"). ClinVar contains an entry for this variant (Variation ID: 1407758). This variant has not been reported in the literature in individuals affected with SYNE1-related conditions. This variant is not present in population databases (gnomAD no frequency). This sequence change replaces lysine, which is basic and polar, with threonine, which is neutral and polar, at codon 7970 of the SYNE1 protein (p.Lys7970Thr).